The following is an entry in ClinVar:

NM_001845.6(COL4A1):c.4738G>A (p.Gly1580Ser)

Gene: COL4A1 (collagen type IV alpha 1 chain; minus strand). Cytogenetic location: 13q34.
Variant type: single nucleotide variant.
Coding change: c.4738G>A on transcript NM_001845.6 (MANE Select); coding-DNA position 4738, G replaced by A.
Protein change: p.Gly1580Ser; replaces glycine 1580 with serine.
Molecular consequence: missense variant.
Genome position (GRCh38, 1-based): chr13:110,155,300, C>T on the plus strand (G>A on the coding strand, the complement: COL4A1 is on the minus strand). VCF-style: chr13-110155300-C-T. GRCh37 (hg19) VCF-style: chr13-110807647-C-T.
Other names: c.4738G>A (NM_001845.4); short protein forms G1580S.
Identifiers: ClinVar variation 1449300 (VCV001449300.9), dbSNP rs113994114, ClinGen allele CA388655536.

ClinVar aggregate classification (germline): Pathogenic. Review status: criteria provided, multiple submitters, no conflicts (2 of 4 stars). 2 submissions from 2 submitters: Pathogenic (2). Last evaluated 2026-01-02.

Conditions:
Inborn genetic diseases. Identifiers: MedGen C0950123, MeSH D030342.

Submissions (2):

Labcorp Genetics (formerly Invitae), Labcorp
Classification: Pathogenic. Last evaluated: 2026-01-02. Review status: criteria provided, single submitter. Criteria: Invitae Variant Classification Sherloc (09022015). Collection method: clinical testing. Allele origin: germline.
Comment: This sequence change replaces glycine, which is neutral and non-polar, with serine, which is neutral and polar, at codon 1580 of the COL4A1 protein (p.Gly1580Ser). This variant is not present in population databases (gnomAD no frequency). This missense change has been observed in individual(s) with clinical features of angiopathy with nephropathy, aneurysms and muscle cramps (HANAC) syndrome and/or West syndrome (PMID: 27916450, 30842224, 32446163). In at least one individual the variant was observed to be de novo. ClinVar contains an entry for this variant (Variation ID: 1449300). Invitae Evidence Modeling of protein sequence and biophysical properties (such as structural, functional, and spatial information, amino acid conservation, physicochemical variation, residue mobility, and thermodynamic stability) indicates that this missense variant is expected to disrupt COL4A1 protein function with a positive predictive value of 95%. This variant disrupts the p.Gly1580 amino acid residue in COL4A1. Other variant(s) that disrupt this residue have been determined to be pathogenic (PMID: 19194877, 25719457). This suggests that this residue is clinically significant, and that variants that disrupt this residue are likely to be disease-causing. For these reasons, this variant has been classified as Pathogenic.

Ambry Genetics
Classification: Pathogenic for Inborn genetic diseases. Last evaluated: 2024-01-03. Review status: criteria provided, single submitter. Criteria: Ambry Variant Classification Scheme 2023. Collection method: clinical testing. Allele origin: germline.
Comment: The c.4738G>A (p.G1580S) alteration is located in exon 50 (coding exon 50) of the COL4A1 gene. This alteration results from a G to A substitution at nucleotide position 4738, causing the glycine (G) at amino acid position 1580 to be replaced by a serine (S). This variant was not reported in population-based cohorts in the Genome Aggregation Database (gnomAD). This variant has been determined to be the result of a de novo mutation two individuals with features consistent with COL4A1-related disorders (Hino-Fukuyo, 2017; Iwama, 2019). Two other alterations at the same codon, c.4739G>C (p.G1580A) and c.4738G>C (p.G1580R), have been detected in individuals with intracerebral hemorrhage and/or porencephaly (de Vries, 2009; Meuwissen, 2015). This amino acid position is highly conserved in available vertebrate species. This alteration is predicted to be deleterious by in silico analysis. Based on the available evidence, this alteration is classified as pathogenic.

Literature cited by the submitters: PubMed 27916450 (cited by Labcorp Genetics (formerly Invitae), Labcorp and Ambry Genetics); PubMed 30842224 (cited by Labcorp Genetics (formerly Invitae), Labcorp and Ambry Genetics); PubMed 32446163 (cited by Labcorp Genetics (formerly Invitae), Labcorp); PubMed 19194877 (cited by Labcorp Genetics (formerly Invitae), Labcorp and Ambry Genetics); PubMed 25719457 (cited by Labcorp Genetics (formerly Invitae), Labcorp and Ambry Genetics).